The following is an entry in ClinVar:

ClinVar aggregate classification (germline): Uncertain significance (1 of 4 stars; one submission).

Conditions:
Early Myoclonic Encephalopathy. Identifiers: MedGen C0270855.

Submission:

Labcorp Genetics (formerly Invitae), Labcorp
Classification: Uncertain significance for Early Myoclonic Encephalopathy. Last evaluated: 2017-12-04. Review status: criteria provided, single submitter. Criteria: Invitae Variant Classification Sherloc (09022015). Collection method: clinical testing. Allele origin: germline.
Comment: This sequence change replaces alanine with aspartic acid at codon 1588 of the JMJD1C protein (p.Ala1588Asp). The alanine residue is highly conserved and there is a moderate physicochemical difference between alanine and aspartic acid. This variant is not present in population databases (ExAC no frequency). This variant has not been reported in the literature in individuals with JMJD1C-related disease. Algorithms developed to predict the effect of missense changes on protein structure and function do not agree on the potential impact of this missense change (SIFT: "Deleterious"; PolyPhen-2: "Probably Damaging"; Align-GVGD: "Class C0"). In summary, the available evidence is currently insufficient to determine the role of this variant in disease. Therefore, it has been classified as a Variant of Uncertain Significance.

NM_032776.3(JMJD1C):c.4763C>A (p.Ala1588Asp)

Gene: JMJD1C (jumonji domain containing 1C; minus strand). Cytogenetic location: 10q21.3.
Variant type: single nucleotide variant.
Coding change: c.4763C>A on transcript NM_032776.3 (MANE Select); coding-DNA position 4763, C replaced by A.
Protein change: p.Ala1588Asp; replaces alanine 1588 with aspartic acid.
Molecular consequence: missense variant. On other transcripts: non-coding transcript variant (1).
Genome position (GRCh38, 1-based): chr10:63,206,906, G>T on the plus strand (C>A on the coding strand, the complement: JMJD1C is on the minus strand). VCF-style: chr10-63206906-G-T. GRCh37 (hg19) VCF-style: chr10-64966666-G-T.
Other names: c.4217C>A, p.Ala1406Asp (NM_001282948.2, NM_001318154.2); c.3899C>A, p.Ala1300Asp (NM_001318153.2); c.4649C>A, p.Ala1550Asp (NM_001322252.2); c.4106C>A, p.Ala1369Asp (NM_001322254.2, NM_001322258.2); short protein forms A1588D, A1550D, A1300D, A1369D, A1406D.
Identifiers: ClinVar variation 529710 (VCV000529710.8), dbSNP rs1404794797, ClinGen allele CA377036549.
Genomic context (GRCh38, chr10:63,206,906, plus strand): 5'-ACATATTTATCAACTATGATCTTACTATCTACACTATTTTGTATATCACTAGATGTAGAG[G>T]CTATTAAGTTGACAGAACATGGCTTAATAATTTCTGATACAGAATTCCCTGAATTTTCCA-3'
Protein context (NP_116165.1, residues 1578-1598): IIKPCSVNLI[Ala1588Asp]STSSDIQNSV